The following is an entry in ClinVar:

NM_001369.3(DNAH5):c.552del (p.Glu185fs)

Gene: DNAH5 (dynein axonemal heavy chain 5; minus strand). Cytogenetic location: 5p15.2.
Variant type: Deletion.
Coding change: c.552del on transcript NM_001369.3 (MANE Select); coding-DNA position 552, one base deleted (C; older notation c.552delC).
Protein change: p.Glu185fs; shifts the reading frame from glutamic acid 185.
Molecular consequence: frameshift variant.
Genome position (GRCh38, 1-based): chr5:13,922,215, G deleted on the plus strand (C on the coding strand, the reverse complement: DNAH5 is on the minus strand). VCF-style (leftmost placement, unchanged base first): chr5-13922214-CG-C. GRCh37 (hg19) VCF-style: chr5-13922323-CG-C.
Other names: short protein forms E185fs.
Identifiers: ClinVar variation 2633026 (VCV002633026.1), dbSNP rs1777387465, ClinGen allele CA1073400070.

ClinVar aggregate classification (germline): Pathogenic (1 of 4 stars; one submission).

Conditions:
DNAH5-related disorder. Also called: DNAH5-related condition.

Allele frequency attached by ClinVar (database versions not stated): TOPMed below 0.00001; gnomAD 0.00001.

Submission:

PreventionGenetics, part of Exact Sciences
Classification: Pathogenic for DNAH5-related condition. Last evaluated: 2023-04-21. Review status: criteria provided, single submitter. Criteria: ACMG Guidelines, 2015. Collection method: clinical testing. Allele origin: germline.
Comment: The DNAH5 c.552delC variant is predicted to result in a frameshift and premature protein termination (p.Glu185Serfs*16). To our knowledge, this variant has not been reported in the literature or in a large population database, indicating this variant is rare. Frameshift variants in DNAH5 are expected to be pathogenic. This variant is interpreted as pathogenic.